The following is an entry in ClinVar:

NM_016123.4(IRAK4):c.50G>A (p.Gly17Glu)

Gene: IRAK4 (interleukin 1 receptor associated kinase 4; plus strand). Cytogenetic location: 12q12.
Variant type: single nucleotide variant.
Coding change: c.50G>A on transcript NM_016123.4 (MANE Select); coding-DNA position 50, G replaced by A.
Protein change: p.Gly17Glu; replaces glycine 17 with glutamic acid.
Molecular consequence: missense variant. On other transcripts: 5 prime UTR variant (8), intron variant (2).
Genome position (GRCh38, 1-based): chr12:43,768,161, G>A. VCF-style: chr12-43768161-G-A. GRCh37 (hg19) VCF-style: chr12-44161964-G-A.
Other names: c.50G>A, p.Gly17Glu (NM_001114182.3, NM_001351345.2); c.-177G>A (NM_001145256.2, NM_001145257.2, NM_001351338.2); c.-390G>A (NM_001351339.2, NM_001351340.2, NM_001351341.2); c.-328G>A (NM_001351343.2, NM_001351344.2); c.-278-2877G>A (NM_001351342.2); c.-65-4019G>A (NM_001145258.2); short protein forms G17E.
Identifiers: ClinVar variation 4039509 (VCV004039509.2).

ClinVar aggregate classification (germline): Uncertain significance. Review status: criteria provided, multiple submitters, no conflicts (2 of 4 stars). 2 submissions from 2 submitters: Uncertain significance (2). Last evaluated 2025-07-09.

Conditions:
Immunodeficiency 67. Also called: Immunodeficiency due to interleukin-1 receptor-associated kinase-4 deficiency. Identifiers: Orphanet 70592, MedGen C1843256, MONDO:0011888, OMIM 607676.
Inborn genetic diseases. Identifiers: MedGen C0950123, MeSH D030342.

gnomAD v4.1: 15 of 1,613,458 alleles (0.00093%); highest among the groups gnomAD compares: Admixed American, 0.0033%; no homozygotes.

Submissions (2):

Labcorp Genetics (formerly Invitae), Labcorp
Classification: Uncertain significance for Immunodeficiency 67. Last evaluated: 2025-07-09. Review status: criteria provided, single submitter. Criteria: Invitae Variant Classification Sherloc (09022015). Collection method: clinical testing. Allele origin: germline.
Comment: This sequence change replaces glycine, which is neutral and non-polar, with glutamic acid, which is acidic and polar, at codon 17 of the IRAK4 protein (p.Gly17Glu). This variant is present in population databases (rs778057572, gnomAD 0.003%). This variant has not been reported in the literature in individuals affected with IRAK4-related conditions. Invitae Evidence Modeling of protein sequence and biophysical properties (such as structural, functional, and spatial information, amino acid conservation, physicochemical variation, residue mobility, and thermodynamic stability) indicates that this missense variant is not expected to disrupt IRAK4 protein function with a negative predictive value of 80%. In summary, the available evidence is currently insufficient to determine the role of this variant in disease. Therefore, it has been classified as a Variant of Uncertain Significance.

Ambry Genetics
Classification: Uncertain significance for Inborn genetic diseases. Last evaluated: 2025-05-25. Review status: criteria provided, single submitter. Criteria: Ambry Variant Classification Scheme 2023. Collection method: clinical testing. Allele origin: germline.